The following is an entry in ClinVar:

ClinVar aggregate classification (germline): Uncertain significance (1 of 4 stars; one submission).

Allele frequency attached by ClinVar (database versions not stated): gnomAD exomes below 0.00001; TOPMed below 0.00001; ExAC 0.00004; ESP Exome Variant Server 0.00008.
gnomAD v4.1: 2 of 1,561,666 alleles (0.00013%); highest among the groups gnomAD compares: African/African-American, 0.0027%; no homozygotes.

Submission:

Labcorp Genetics (formerly Invitae), Labcorp
Classification: Uncertain significance. Last evaluated: 2022-05-06. Review status: criteria provided, single submitter. Criteria: Invitae Variant Classification Sherloc (09022015). Collection method: clinical testing. Allele origin: germline.
Comment: In summary, the available evidence is currently insufficient to determine the role of this variant in disease. Therefore, it has been classified as a Variant of Uncertain Significance. Algorithms developed to predict the effect of missense changes on protein structure and function output the following: SIFT: "Tolerated"; PolyPhen-2: "Benign"; Align-GVGD: "Class C0". The arginine amino acid residue is found in multiple mammalian species, which suggests that this missense change does not adversely affect protein function. This variant has not been reported in the literature in individuals affected with DGKZ-related conditions. This variant is not present in population databases (gnomAD no frequency). This sequence change replaces glutamine, which is neutral and polar, with arginine, which is basic and polar, at codon 150 of the DGKZ protein (p.Gln150Arg).

NM_001199267.2(DGKZ):c.162-586A>G

Gene: DGKZ (diacylglycerol kinase zeta; plus strand). Cytogenetic location: 11p11.2.
Variant type: single nucleotide variant.
Coding change: c.162-586A>G on transcript NM_001199267.2 (MANE Select); 586 bases into the intron before coding-DNA position 162, A replaced by G.
Molecular consequence: intron variant. On other transcripts: missense variant (1).
Genome position (GRCh38, 1-based): chr11:46,366,705, A>G. VCF-style: chr11-46366705-A-G. GRCh37 (hg19) VCF-style: chr11-46388255-A-G.
Other names: c.449A>G, p.Gln150Arg (NM_001105540.2); c.213-586A>G (NM_201532.3); c.177-586A>G (NM_201533.3); c.162-586A>G (NM_001199266.2, NM_003646.4, NM_001199268.2); short protein forms Q150R.
Identifiers: ClinVar variation 2123937 (VCV002123937.4), dbSNP rs367820661, ClinGen allele CA5962165.